The following is an entry in ClinVar:

NM_002578.5(PAK3):c.1185C>T (p.Leu395=)

Gene: PAK3 (p21 (RAC1) activated kinase 3; plus strand). Cytogenetic location: Xq23.
Variant type: single nucleotide variant.
Coding change: c.1185C>T on transcript NM_002578.5 (MANE Select); coding-DNA position 1185, C replaced by T.
Protein change: p.Leu395=; no amino-acid change (leucine 395 retained).
Molecular consequence: synonymous variant. On other transcripts: non-coding transcript variant (2).
Genome position (GRCh38, 1-based): chrX:111,195,916, C>T. VCF-style: chrX-111195916-C-T. GRCh37 (hg19) VCF-style: chrX-110439144-C-T.
Other names: p.Leu395=; c.1185C>T, p.Leu395= (NM_001128166.3, NM_001128167.3, NM_001324325.2 and 5 more transcripts); c.1293C>T, p.Leu431= (NM_001128168.3); c.1248C>T, p.Leu416= (NM_001128172.2); c.1230C>T, p.Leu410= (NM_001128173.3, NM_001324327.2, NM_001324328.2 and 2 more transcripts).
Identifiers: ClinVar variation 129873 (VCV000129873.25), dbSNP rs150174049, ClinGen allele CA154217.

ClinVar aggregate classification (germline): Benign. Review status: criteria provided, multiple submitters, no conflicts (2 of 4 stars). 6 submissions from 6 submitters: Benign (5). 1 of the submissions does not count toward it. Last evaluated 2026-01-27.

Conditions:
Inborn genetic diseases. Identifiers: MedGen C0950123, MeSH D030342.
Intellectual developmental disorder, X-linked 30. Also called: Intellectual disability, X-linked 30; MENTAL RETARDATION, X-LINKED 47. Identifiers: Orphanet 777, MedGen C0796237, MONDO:0010361, OMIM 300558.

Allele frequency attached by ClinVar (database versions not stated): gnomAD exomes 0.00097 and 0.00273; ExAC 0.00345; 1000 Genomes Project 30x 0.00853; 1000 Genomes Project 0.00901; gnomAD 0.00931 and 0.00992; TOPMed 0.01046; ESP Exome Variant Server 0.01316.
gnomAD v4.1: 2,105 of 1,145,463 alleles (0.18%); highest among the groups gnomAD compares: African/African-American, 3.1%; 18 homozygotes.

Submissions (6):

Labcorp Genetics (formerly Invitae), Labcorp
Classification: Benign. Last evaluated: 2026-01-27. Review status: criteria provided, single submitter. Criteria: Invitae Variant Classification Sherloc (09022015). Collection method: clinical testing. Allele origin: germline.

Mayo Clinic Laboratories, Mayo Clinic
Classification: Benign. Last evaluated: 2019-09-03. Review status: criteria provided, single submitter. Criteria: ACMG Guidelines, 2015. Collection method: clinical testing. Allele origin: germline. Observed: 7 variant alleles.

Illumina Laboratory Services, Illumina
Classification: Benign for Intellectual developmental disorder, X-linked 30. Last evaluated: 2018-01-13. Review status: criteria provided, single submitter. Criteria: ICSL Variant Classification Criteria 13 December 2019. Collection method: clinical testing. Allele origin: germline.
Comment: This variant was observed in the ICSL laboratory as part of a predisposition screen in an ostensibly healthy population. It had not been previously curated by ICSL or reported in the Human Gene Mutation Database (HGMD: prior to June 1st, 2018), and was therefore a candidate for classification through an automated scoring system. Utilizing variant allele frequency, disease prevalence and penetrance estimates, and inheritance mode, an automated score was calculated to assess if this variant is too frequent to cause the disease. Based on the score and internal cut-off values, a variant classified as benign is not then subjected to further curation. The score for this variant resulted in a classification of benign for this disease.

Ambry Genetics
Classification: Benign for Inborn genetic diseases. Last evaluated: 2016-12-12. Review status: criteria provided, single submitter. Criteria: Ambry Variant Classification Scheme 2023. Collection method: clinical testing. Allele origin: germline.

Breakthrough Genomics
Classification: Benign. Review status: criteria provided, single submitter. Criteria: ACMG Guidelines, 2015. Collection method: not provided. Allele origin: germline. Inheritance: X-linked inheritance. Affected: yes.

Genetic Services Laboratory, University of Chicago
Classification: Likely benign for AllHighlyPenetrant. Review status: no assertion criteria provided. Collection method: clinical testing. Allele origin: germline. Inheritance: X-linked inheritance. Not counted in ClinVar's aggregate classification.
Comment: Likely benign based on allele frequency in 1000 Genomes Project or ESP global frequency and its presence in a patient with a rare or unrelated disease phenotype. NOT Sanger confirmed.